The following is an entry in ClinVar:

ClinVar aggregate classification (germline): Uncertain significance. Review status: criteria provided, multiple submitters, no conflicts (2 of 4 stars). 2 submissions from 2 submitters: Uncertain significance (2). Last evaluated 2025-08-11.

Conditions:
Long QT syndrome 16. Identifiers: MedGen C5394068, MONDO:0032915, OMIM 618782.
Long QT syndrome 1 (LQT1). Identifiers: Orphanet 101016, Orphanet 768, MedGen C4551647, MONDO:0100316, OMIM 192500, MONDO:0008646.

Submissions (2):

Labcorp Genetics (formerly Invitae), Labcorp
Classification: Uncertain significance for Long QT syndrome 1. Last evaluated: 2025-08-11. Review status: criteria provided, single submitter. Criteria: Invitae Variant Classification Sherloc (09022015). Collection method: clinical testing. Allele origin: germline.
Comment: This sequence change falls in intron 3 of the CALM3 gene. It does not directly change the encoded amino acid sequence of the CALM3 protein. It affects a nucleotide within the consensus splice site. This variant is present in population databases (no rsID available, gnomAD 0.0009%). This variant has not been reported in the literature in individuals affected with CALM3-related conditions. ClinVar contains an entry for this variant (Variation ID: 839631). Variants that disrupt the consensus splice site are a relatively common cause of aberrant splicing (PMID: 17576681, 9536098). Algorithms developed to predict the effect of sequence changes on RNA splicing suggest that this variant is not likely to affect RNA splicing. In summary, the available evidence is currently insufficient to determine the role of this variant in disease. Therefore, it has been classified as a Variant of Uncertain Significance.

Fulgent Genetics
Classification: Uncertain significance for Long QT syndrome 16. Last evaluated: 2021-11-09. Review status: criteria provided, single submitter. Criteria: ACMG Guidelines, 2015. Collection method: clinical testing. Allele origin: unknown.

Literature cited by the submitters: PubMed 17576681 (cited by Labcorp Genetics (formerly Invitae), Labcorp); PubMed 9536098 (cited by Labcorp Genetics (formerly Invitae), Labcorp).

NM_005184.4(CALM3):c.179-3del

Gene: CALM3 (calmodulin 3; plus strand). Cytogenetic location: 19q13.32.
Variant type: Deletion.
Coding change: c.179-3del on transcript NM_005184.4 (MANE Select); 3 bases into the intron before coding-DNA position 179, one base deleted (C; older notation c.179-3delC).
Molecular consequence: intron variant.
Genome position (GRCh38, 1-based): chr19:46,608,479, C deleted; the last of 2 consecutive C bases (chr19:46,608,478-46,608,479); deleting either gives the same sequence. VCF-style (leftmost placement, unchanged base first): chr19-46608477-TC-T. GRCh37 (hg19) VCF-style: chr19-47111734-TC-T.
Other names: c.71-3del (NM_001329921.1, NM_001329924.2, NM_001329926.2 and 2 more transcripts); c.179-3del (NM_001329922.1).
Identifiers: ClinVar variation 839631 (VCV000839631.8), dbSNP rs1446437806, ClinGen allele CA633483799.